The following is an entry in ClinVar:

ClinVar aggregate classification (germline): Uncertain significance (1 of 4 stars; one submission).

gnomAD v4.1: 1 of 1,613,984 alleles (0.000062%); highest among the groups gnomAD compares: Non-Finnish European, 0.000085%; no homozygotes.

Submission:

Labcorp Genetics (formerly Invitae), Labcorp
Classification: Uncertain significance. Last evaluated: 2021-08-25. Review status: criteria provided, single submitter. Criteria: Invitae Variant Classification Sherloc (09022015). Collection method: clinical testing. Allele origin: germline.
Comment: This sequence change replaces proline with serine at codon 2215 of the COL7A1 protein (p.Pro2215Ser). The proline residue is weakly conserved and there is a moderate physicochemical difference between proline and serine. This variant is not present in population databases (ExAC no frequency). This variant has not been reported in the literature in individuals affected with COL7A1-related conditions. Algorithms developed to predict the effect of missense changes on protein structure and function are either unavailable or do not agree on the potential impact of this missense change (SIFT: "Tolerated"; PolyPhen-2: "Possibly Damaging"; Align-GVGD: "Class C0"). In summary, the available evidence is currently insufficient to determine the role of this variant in disease. Therefore, it has been classified as a Variant of Uncertain Significance.

NM_000094.4(COL7A1):c.6643C>T (p.Pro2215Ser)

Gene: COL7A1 (collagen type VII alpha 1 chain; minus strand). Cytogenetic location: 3p21.31.
Variant type: single nucleotide variant.
Coding change: c.6643C>T on transcript NM_000094.4 (MANE Select); coding-DNA position 6643, C replaced by T.
Protein change: p.Pro2215Ser; replaces proline 2215 with serine.
Molecular consequence: missense variant.
Genome position (GRCh38, 1-based): chr3:48,573,324, G>A on the plus strand (C>T on the coding strand, the complement: COL7A1 is on the minus strand). VCF-style: chr3-48573324-G-A. GRCh37 (hg19) VCF-style: chr3-48610757-G-A.
Other names: short protein forms P2215S.
Identifiers: ClinVar variation 1404888 (VCV001404888.6), dbSNP rs1489201304, ClinGen allele CA352655983.